The following is an entry in ClinVar:

NM_001211.6(BUB1B):c.36-1G>A

Gene: BUB1B (BUB1 mitotic checkpoint serine/threonine kinase B; plus strand). Cytogenetic location: 15q15.1.
Variant type: single nucleotide variant.
Coding change: c.36-1G>A on transcript NM_001211.6 (MANE Select); the canonical splice acceptor site of the intron before coding-DNA position 36, G replaced by A.
Molecular consequence: splice acceptor variant.
Genome position (GRCh38, 1-based): chr15:40,165,052, G>A. VCF-style: chr15-40165052-G-A. GRCh37 (hg19) VCF-style: chr15-40457253-G-A.
Identifiers: ClinVar variation 2083538 (VCV002083538.4), dbSNP rs2542508482, ClinGen allele CA391676844.

ClinVar aggregate classification (germline): Likely pathogenic (1 of 4 stars; one submission).

Conditions:
Mosaic variegated aneuploidy syndrome 1 (MVA1). Also called: Warburton-Anyane-Yeboa syndrome. Identifiers: Orphanet 1052, MedGen C1850343, MONDO:0009759, OMIM 257300.

gnomAD v4.1: 1 of 1,614,094 alleles (0.000062%); no homozygotes.

Submission:

Labcorp Genetics (formerly Invitae), Labcorp
Classification: Likely pathogenic for Mosaic variegated aneuploidy syndrome 1. Last evaluated: 2022-10-14. Review status: criteria provided, single submitter. Criteria: Invitae Variant Classification Sherloc (09022015). Collection method: clinical testing. Allele origin: germline.
Comment: This sequence change affects an acceptor splice site in intron 1 of the BUB1B gene. It is expected to disrupt RNA splicing. Variants that disrupt the donor or acceptor splice site typically lead to a loss of protein function (PMID: 16199547), and loss-of-function variants in BUB1B are known to be pathogenic (PMID: 15475955, 21190457). In summary, the currently available evidence indicates that the variant is pathogenic, but additional data are needed to prove that conclusively. Therefore, this variant has been classified as Likely Pathogenic. Algorithms developed to predict the effect of sequence changes on RNA splicing suggest that this variant may disrupt the consensus splice site. This variant has not been reported in the literature in individuals affected with BUB1B-related conditions. This variant is not present in population databases (gnomAD no frequency).

Literature cited by the submitters: PubMed 16199547; PubMed 15475955; PubMed 21190457.